The following is an entry in ClinVar:

NM_000517.6(HBA2):c.301-44_348delinsTACACCGCAGG

Genes: HBA2 (hemoglobin subunit alpha 2; plus strand), LOC106804612 (hemoglobin subunit alpha 2 recombination region; plus strand). Cytogenetic location: 16p13.3.
Variant type: Indel.
Coding change: c.301-44_348delinsTACACCGCAGG on transcript NM_000517.6 (MANE Select); 44 bases into the intron before coding-DNA position 301 through coding-DNA position 348, the reference bases replaced by TACACCGCAGG.
Molecular consequence: splice acceptor variant.
Genome position (GRCh38, 1-based): chr16:173,428-173,519, 92 bases replaced. GRCh37 (hg19): chr16:223,427-223,518.
Identifiers: ClinVar variation 4818661 (VCV004818661.1).

ClinVar aggregate classification (germline): Likely pathogenic (1 of 4 stars; one submission).

Conditions:
alpha Thalassemia. Also called: Alpha thalassemia spectrum. Identifiers: Orphanet 846, MedGen C0002312, MONDO:0011399, OMIM 604131.

Submission:

Natera, Inc.
Classification: Likely pathogenic for Alpha thalassemia. Last evaluated: 2024-02-27. Review status: criteria provided, single submitter. Criteria: Natera Variant Classification Schema (03/2026). Collection method: clinical testing. Allele origin: germline.
Comment: The c.301-44_348delGGCGGCTGCGGGCCTGGGCCGCACTGACCCTCTTCTCTGCACAGCTCCTAAGCCACTGCCTGCTGGTGACCCTGGCCGCCCACCTCCCCGCCinsTACACCGCAGG variant in HBA2 is a deletion-insertion (delins) variant predicted to replace one or more nucleotides with a different sequence. This variant may result in a truncated or dysfunctional protein product. This variant is rare in the general population with a frequency below the threshold expected for the associated phenotype(s). This variant has been observed in one or more individuals affected with the associated recessive disease, as either homozygous or compound heterozygous with a second variant (PMID: 11570724, 33979976). Given the available evidence, this variant is classified as Likely Pathogenic.

Literature cited by the submitters: PubMed 11570724; PubMed 33979976.